The following is an entry in ClinVar:

ClinVar aggregate classification (germline): Benign (1 of 4 stars; one submission).

Allele frequency attached by ClinVar (database versions not stated): 1000 Genomes Project 30x 0.82823; 1000 Genomes Project 0.82867; TOPMed 0.85280; gnomAD exomes 0.85676.
gnomAD v4.1: 503,857 of 589,294 alleles (86%); highest among the groups gnomAD compares: East Asian, 98%; 216,691 homozygotes.

Submission:

GeneDx
Classification: Benign. Last evaluated: 2018-06-18. Review status: criteria provided, single submitter. Criteria: GeneDx Variant Classification (06012015). Collection method: clinical testing. Allele origin: germline. Affected: yes.
Comment: This variant is considered likely benign or benign based on one or more of the following criteria: it is a conservative change, it occurs at a poorly conserved position in the protein, it is predicted to be benign by multiple in silico algorithms, and/or has population frequency not consistent with disease.

NM_001330260.2(SCN8A):c.3490+258G>A

Gene: SCN8A (sodium voltage-gated channel alpha subunit 8; plus strand). Cytogenetic location: 12q13.13.
Variant type: single nucleotide variant.
Coding change: c.3490+258G>A on transcript NM_001330260.2 (MANE Select); 258 bases into the intron after coding-DNA position 3490, G replaced by A.
Molecular consequence: intron variant.
Genome position (GRCh38, 1-based): chr12:51,770,243, G>A. VCF-style: chr12-51770243-G-A. GRCh37 (hg19) VCF-style: chr12-52164027-G-A.
Other names: c.3490+258G>A (NM_014191.4, NM_001177984.3, NM_001369788.1).
Identifiers: ClinVar variation 684270 (VCV000684270.1), dbSNP rs303807, ClinGen allele CA15738082.
Genomic context (GRCh38, chr12:51,770,243, plus strand): 5'-ACACTTTTCATCATCCATTTTCTCTTGGCATCAGCCCAAAAATTTCCATTAGAATGTCCT[G>A]TTCTGTCATGGCTGTGCCTGCCTCCTGACTACCCTTTTCTCCTCCCTCTCACTGCTTCTT-3'